The following is an entry in ClinVar:

ClinVar aggregate classification (germline): Uncertain significance (1 of 4 stars; one submission).

Submission:

GeneDx
Classification: Uncertain significance. Last evaluated: 2023-03-02. Review status: criteria provided, single submitter. Criteria: GeneDx Variant Classification Process June 2021. Collection method: clinical testing. Allele origin: germline. Affected: yes.
Comment: Not observed at significant frequency in large population cohorts (gnomAD); In silico analysis supports that this missense variant has a deleterious effect on protein structure/function; Has not been previously published as pathogenic or benign to our knowledge

NM_002335.4(LRP5):c.3422T>G (p.Leu1141Arg)

Gene: LRP5 (LDL receptor related protein 5; plus strand). Cytogenetic location: 11q13.2.
Variant type: single nucleotide variant.
Coding change: c.3422T>G on transcript NM_002335.4 (MANE Select); coding-DNA position 3422, T replaced by G.
Protein change: p.Leu1141Arg; replaces leucine 1141 with arginine.
Molecular consequence: missense variant.
Genome position (GRCh38, 1-based): chr11:68,425,287, T>G. VCF-style: chr11-68425287-T-G. GRCh37 (hg19) VCF-style: chr11-68192755-T-G.
Other names: c.1679T>G, p.Leu560Arg (NM_001291902.2); short protein forms L1141R, L560R.
Identifiers: ClinVar variation 2578325 (VCV002578325.1), dbSNP rs1457319820, ClinGen allele CA381621650.